The following is an entry in ClinVar:

ClinVar aggregate classification (germline): Likely pathogenic (1 of 4 stars; one submission).

Submission:

GeneDx
Classification: Likely pathogenic. Last evaluated: 2023-09-20. Review status: criteria provided, single submitter. Criteria: GeneDx Variant Classification Process June 2021. Collection method: clinical testing. Allele origin: germline. Affected: yes.
Comment: Published functional studies suggest a gain-of-function effect: in vitro and ex vivo studies demonstrate aberrations in cell cycle and proliferation; in vivo mouse model studies demonstrate an effect on hematopoiesis (Schwartz et al., 2017; Thomas et al., 2021; Abdelhamed et al., 2022); Observed in the presumed germline of a pediatric patient with primary myelodysplastic syndrome (Schwartz et al., 2017); In silico analysis supports that this missense variant does not alter protein structure/function; Not observed at significant frequency in large population cohorts (gnomAD); This variant is associated with the following publications: (PMID: 35046037, 36317635, 36880537, 37285440, 29146900, 36074606, 33731850, 31306780)

NM_152703.5(SAMD9L):c.3538T>C (p.Trp1180Arg)

Gene: SAMD9L (sterile alpha motif domain containing 9 like; minus strand). Cytogenetic location: 7q21.2.
Variant type: single nucleotide variant.
Coding change: c.3538T>C on transcript NM_152703.5 (MANE Select); coding-DNA position 3538, T replaced by C.
Protein change: p.Trp1180Arg; replaces tryptophan 1180 with arginine.
Molecular consequence: missense variant.
Genome position (GRCh38, 1-based): chr7:93,132,434, A>G on the plus strand (T>C on the coding strand, the complement: SAMD9L is on the minus strand). VCF-style: chr7-93132434-A-G. GRCh37 (hg19) VCF-style: chr7-92761747-A-G.
Other names: c.3538T>C, p.Trp1180Arg (NM_001303496.3, NM_001303497.3, NM_001303498.3 and 5 more transcripts); short protein forms W1180R.
Identifiers: ClinVar variation 3340782 (VCV003340782.1).